The following is an entry in ClinVar:

ClinVar aggregate classification (germline): Uncertain significance (1 of 4 stars; one submission).

Conditions:
Haddad syndrome (OHD). Also called: Ondine-Hirschsprung disease. Identifiers: Orphanet 99803, MedGen C1859049, MONDO:0020493.

Submission:

Labcorp Genetics (formerly Invitae), Labcorp
Classification: Uncertain significance for Haddad syndrome. Last evaluated: 2019-12-11. Review status: criteria provided, single submitter. Criteria: Invitae Variant Classification Sherloc (09022015). Collection method: clinical testing. Allele origin: germline.
Comment: Experimental studies and prediction algorithms are not available or were not evaluated, and the functional significance of this variant is currently unknown. In summary, the available evidence is currently insufficient to determine the role of this variant in disease. Therefore, it has been classified as a Variant of Uncertain Significance. This variant has not been reported in the literature in individuals with PHOX2B-related conditions. This variant is not present in population databases (ExAC no frequency). This sequence change results in a premature translational stop signal in the PHOX2B gene (p.Gln271*). While this is not anticipated to result in nonsense mediated decay, it is expected to disrupt the last 44 amino acids of the PHOX2B protein.

NM_003924.4(PHOX2B):c.811C>T (p.Gln271Ter)

Gene: PHOX2B (paired like homeobox 2B; minus strand). Cytogenetic location: 4p13.
Variant type: single nucleotide variant.
Coding change: c.811C>T on transcript NM_003924.4 (MANE Select); coding-DNA position 811, C replaced by T.
Protein change: p.Gln271Ter; replaces glutamine 271 with a stop codon.
Molecular consequence: nonsense.
Genome position (GRCh38, 1-based): chr4:41,745,941, G>A on the plus strand (C>T on the coding strand, the complement: PHOX2B is on the minus strand). VCF-style: chr4-41745941-G-A. GRCh37 (hg19) VCF-style: chr4-41747958-G-A.
Other names: short protein forms Q271*.
Identifiers: ClinVar variation 835416 (VCV000835416.7), dbSNP rs1733871948, ClinGen allele CA356737096.
Genomic context (GRCh38, chr4:41,745,941, plus strand): 5'-AGGGACCCCCAAGCGAATCCGGGATGGAGGTGATGGGGCCGGGGCCGGGAGCCCAGCCTT[G>A]TCCAGGGCCCCCAGCCGCAGCCAGGCCTCCAGCTGCCGCCGCTGCCGCTGCCGCCGCCGC-3'